The following is an entry in ClinVar:

NM_198391.3(FLRT3):c.363T>C (p.Tyr121=)

Genes: FLRT3 (fibronectin leucine rich transmembrane protein 3; minus strand), MACROD2 (mono-ADP ribosylhydrolase 2; plus strand). Cytogenetic location: 20p12.1.
Variant type: single nucleotide variant.
Coding change: c.363T>C on transcript NM_198391.3 (MANE Select); coding-DNA position 363, T replaced by C.
Protein change: p.Tyr121=; no amino-acid change (tyrosine 121 retained).
Molecular consequence: synonymous variant. On other transcripts: intron variant (3).
Genome position (GRCh38, 1-based): chr20:14,327,144, A>G on the plus strand (T>C on the coding strand, the complement: FLRT3 is on the minus strand). VCF-style: chr20-14327144-A-G. GRCh37 (hg19) VCF-style: chr20-14307790-A-G.
Other names: c.363T>C, p.Tyr121= (NM_013281.4); c.272-166335A>G (NM_001351661.2, NM_001351663.2, NM_080676.6).
Identifiers: ClinVar variation 2652208 (VCV002652208.25), dbSNP rs752289875, ClinGen allele CA9769045.

ClinVar aggregate classification (germline): Likely benign. Review status: criteria provided, single submitter (1 of 4 stars). 2 submissions from 2 submitters: Likely benign (1). 1 of the submissions does not count toward it. Last evaluated 2022-03-01.

Conditions:
FLRT3-related disorder. Also called: FLRT3-related condition.

Allele frequency attached by ClinVar (database versions not stated): ExAC 0.00002; TOPMed 0.00002; gnomAD 0.00003.
gnomAD v4.1: 29 of 1,613,690 alleles (0.0018%); highest among the groups gnomAD compares: Admixed American, 0.015%; no homozygotes.

Submissions (2):

CeGaT Center for Human Genetics Tuebingen
Classification: Likely benign. Last evaluated: 2022-03-01. Review status: criteria provided, single submitter. Criteria: CeGaT Center For Human Genetics Tuebingen Variant Classification Criteria Version 2. Collection method: clinical testing. Allele origin: germline. Affected: yes. Observed: 1 variant allele.
Comment: FLRT3: BP4, BP7

PreventionGenetics, part of Exact Sciences
Classification: Likely benign for FLRT3-related condition. Last evaluated: 2019-05-06. Review status: no assertion criteria provided. Collection method: clinical testing. Allele origin: germline. Not counted in ClinVar's aggregate classification.
Comment: This variant is classified as likely benign based on ACMG/AMP sequence variant interpretation guidelines (Richards et al. 2015 PMID: 25741868, with internal and published modifications).